The following is an entry in ClinVar:

ClinVar aggregate classification (germline): Uncertain significance (1 of 4 stars; one submission).

Conditions:
Inborn genetic diseases. Identifiers: MedGen C0950123, MeSH D030342.

Submission:

Ambry Genetics
Classification: Uncertain significance for Inborn genetic diseases. Last evaluated: 2025-08-12. Review status: criteria provided, single submitter. Criteria: Ambry Variant Classification Scheme 2023. Collection method: clinical testing. Allele origin: germline.
Comment: The p.A655G variant (also known as c.1964C>G), located in coding exon 15 of the BUB1B gene, results from a C to G substitution at nucleotide position 1964. The alanine at codon 655 is replaced by glycine, an amino acid with similar properties. This amino acid position is conserved. In addition, this alteration is predicted to be tolerated by in silico analysis. Based on the available evidence, the clinical significance of this variant remains unclear.

NM_001211.6(BUB1B):c.1964C>G (p.Ala655Gly)

Gene: BUB1B (BUB1 mitotic checkpoint serine/threonine kinase B; plus strand). Cytogenetic location: 15q15.1.
Variant type: single nucleotide variant.
Coding change: c.1964C>G on transcript NM_001211.6 (MANE Select); coding-DNA position 1964, C replaced by G.
Protein change: p.Ala655Gly; replaces alanine 655 with glycine.
Molecular consequence: missense variant.
Genome position (GRCh38, 1-based): chr15:40,206,413, C>G. VCF-style: chr15-40206413-C-G. GRCh37 (hg19) VCF-style: chr15-40498614-C-G.
Other names: short protein forms A655G.
Identifiers: ClinVar variation 4216963 (VCV004216963.1).